The following is an entry in ClinVar:

NM_021625.5(TRPV4):c.1378C>G (p.Arg460Gly)

Gene: TRPV4 (transient receptor potential cation channel subfamily V member 4; minus strand). Cytogenetic location: 12q24.11.
Variant type: single nucleotide variant.
Coding change: c.1378C>G on transcript NM_021625.5 (MANE Select); coding-DNA position 1378, C replaced by G.
Protein change: p.Arg460Gly; replaces arginine 460 with glycine.
Molecular consequence: missense variant.
Genome position (GRCh38, 1-based): chr12:109,794,442, G>C on the plus strand (C>G on the coding strand, the complement: TRPV4 is on the minus strand). VCF-style: chr12-109794442-G-C. GRCh37 (hg19) VCF-style: chr12-110232247-G-C.
Other names: c.1237C>G, p.Arg413Gly (NM_001177428.2); c.1276C>G, p.Arg426Gly (NM_001177431.2); c.1057C>G, p.Arg353Gly (NM_001177433.2); c.1198C>G, p.Arg400Gly (NM_147204.3); short protein forms R413G, R460G, R353G, R426G, R400G.
Identifiers: ClinVar variation 2833355 (VCV002833355.3), dbSNP rs34227547, ClinGen allele CA6780258.

ClinVar aggregate classification (germline): Uncertain significance (1 of 4 stars; one submission).

Conditions:
Charcot-Marie-Tooth disease axonal type 2C (HMSN2C). Also called: CHARCOT-MARIE-TOOTH DISEASE, AXONAL, AUTOSOMAL DOMINANT, TYPE 2C; Charcot-Marie-Tooth Neuropathy Type 2C; Charcot-Marie-Tooth Disease Type 2, TRPV4-Related (CMT2C). Identifiers: Orphanet 99937, MedGen C1853710, MONDO:0011633, OMIM 606071.

gnomAD v4.1: 2 of 1,614,064 alleles (0.00012%); highest among the groups gnomAD compares: East Asian, 0.0045%; no homozygotes.

Submission:

Labcorp Genetics (formerly Invitae), Labcorp
Classification: Uncertain significance for Charcot-Marie-Tooth disease axonal type 2C. Last evaluated: 2023-05-24. Review status: criteria provided, single submitter. Criteria: Invitae Variant Classification Sherloc (09022015). Collection method: clinical testing. Allele origin: germline.
Comment: This sequence change replaces arginine, which is basic and polar, with glycine, which is neutral and non-polar, at codon 460 of the TRPV4 protein (p.Arg460Gly). This variant is present in population databases (rs34227547, gnomAD 0.02%). This variant has not been reported in the literature in individuals affected with TRPV4-related conditions. Advanced modeling of protein sequence and biophysical properties (such as structural, functional, and spatial information, amino acid conservation, physicochemical variation, residue mobility, and thermodynamic stability) performed at Invitae indicates that this missense variant is not expected to disrupt TRPV4 protein function. In summary, the available evidence is currently insufficient to determine the role of this variant in disease. Therefore, it has been classified as a Variant of Uncertain Significance.